The following is an entry in ClinVar:

ClinVar aggregate classification (germline): Uncertain significance (1 of 4 stars; one submission).

gnomAD v4.1: 16 of 1,613,530 alleles (0.00099%); highest among the groups gnomAD compares: South Asian, 0.018%; no homozygotes.

Submission:

Labcorp Genetics (formerly Invitae), Labcorp
Classification: Uncertain significance. Last evaluated: 2024-08-27. Review status: criteria provided, single submitter. Criteria: Invitae Variant Classification Sherloc (09022015). Collection method: clinical testing. Allele origin: germline.
Comment: This sequence change replaces threonine, which is neutral and polar, with serine, which is neutral and polar, at codon 1944 of the PCDH15 protein (p.Thr1944Ser). This variant is present in population databases (rs746479674, gnomAD 0.01%). This variant has not been reported in the literature in individuals affected with PCDH15-related conditions. An algorithm developed to predict the effect of missense changes on protein structure and function outputs the following: PolyPhen-2: "Not Available". The serine amino acid residue is found in multiple mammalian species, which suggests that this missense change does not adversely affect protein function. In summary, the available evidence is currently insufficient to determine the role of this variant in disease. Therefore, it has been classified as a Variant of Uncertain Significance.

NM_033056.4(PCDH15):c.5831C>G (p.Thr1944Ser)

Gene: PCDH15 (protocadherin related 15; minus strand). Cytogenetic location: 10q21.1.
Variant type: single nucleotide variant.
Coding change: c.5831C>G on transcript NM_033056.4 (MANE Plus Clinical); coding-DNA position 5831, C replaced by G.
Protein change: p.Thr1944Ser; replaces threonine 1944 with serine.
Molecular consequence: missense variant. On other transcripts: intron variant (8).
Genome position (GRCh38, 1-based): chr10:53,821,895, G>C on the plus strand (C>G on the coding strand, the complement: PCDH15 is on the minus strand). VCF-style: chr10-53821895-G-C. GRCh37 (hg19) VCF-style: chr10-55581655-G-C.
Other names: c.5852C>G, p.Thr1951Ser (NM_001142763.2); c.5837C>G, p.Thr1946Ser (NM_001142764.2); c.5624C>G, p.Thr1875Ser (NM_001142765.2); c.5822C>G, p.Thr1941Ser (NM_001142766.2); c.5711C>G, p.Thr1904Ser (NM_001142767.2); c.5771C>G, p.Thr1924Ser (NM_001142768.2); c.5762C>G, p.Thr1921Ser (NM_001142773.2); c.5765C>G, p.Thr1922Ser (NM_001354404.2); and 7 more; short protein forms T1922S, T1924S, T1944S, T1921S, T1946S, T1951S, T1875S, T1941S.
Identifiers: ClinVar variation 3705769 (VCV003705769.1).